The following is an entry in ClinVar:

NM_173689.7(CRB2):c.271G>A (p.Gly91Ser)

Gene: CRB2 (crumbs cell polarity complex component 2; plus strand). Cytogenetic location: 9q33.3.
Variant type: single nucleotide variant.
Coding change: c.271G>A on transcript NM_173689.7 (MANE Select); coding-DNA position 271, G replaced by A.
Protein change: p.Gly91Ser; replaces glycine 91 with serine.
Molecular consequence: missense variant.
Genome position (GRCh38, 1-based): chr9:123,363,041, G>A. VCF-style: chr9-123363041-G-A. GRCh37 (hg19) VCF-style: chr9-126125320-G-A.
Other names: short protein forms G91S.
Identifiers: ClinVar variation 1940328 (VCV001940328.5), dbSNP rs751212786, ClinGen allele CA5231593.

ClinVar aggregate classification (germline): Uncertain significance (1 of 4 stars; one submission).

Allele frequency attached by ClinVar (database versions not stated): ExAC 0.00001; gnomAD 0.00001; TOPMed 0.00002.
gnomAD v4.1: 23 of 1,611,838 alleles (0.0014%); highest among the groups gnomAD compares: Admixed American, 0.0017%; no homozygotes.

Submission:

Labcorp Genetics (formerly Invitae), Labcorp
Classification: Uncertain significance. Last evaluated: 2022-07-11. Review status: criteria provided, single submitter. Criteria: Invitae Variant Classification Sherloc (09022015). Collection method: clinical testing. Allele origin: germline.
Comment: Advanced modeling of protein sequence and biophysical properties (such as structural, functional, and spatial information, amino acid conservation, physicochemical variation, residue mobility, and thermodynamic stability) performed at Invitae indicates that this missense variant is not expected to disrupt CRB2 protein function. This variant has not been reported in the literature in individuals affected with CRB2-related conditions. In summary, the available evidence is currently insufficient to determine the role of this variant in disease. Therefore, it has been classified as a Variant of Uncertain Significance. This sequence change replaces glycine, which is neutral and non-polar, with serine, which is neutral and polar, at codon 91 of the CRB2 protein (p.Gly91Ser). This variant is present in population databases (rs751212786, gnomAD 0.009%).